The following is an entry in ClinVar:

ClinVar aggregate classification (germline): Uncertain significance (1 of 4 stars; one submission).

Submission:

Labcorp Genetics (formerly Invitae), Labcorp
Classification: Uncertain significance. Last evaluated: 2024-12-06. Review status: criteria provided, single submitter. Criteria: Invitae Variant Classification Sherloc (09022015). Collection method: clinical testing. Allele origin: germline.
Comment: This sequence change replaces aspartic acid, which is acidic and polar, with glycine, which is neutral and non-polar, at codon 122 of the SLC4A1 protein (p.Asp122Gly). This variant is not present in population databases (gnomAD no frequency). This variant has not been reported in the literature in individuals affected with SLC4A1-related conditions. Invitae Evidence Modeling of protein sequence and biophysical properties (such as structural, functional, and spatial information, amino acid conservation, physicochemical variation, residue mobility, and thermodynamic stability) indicates that this missense variant is not expected to disrupt SLC4A1 protein function with a negative predictive value of 80%. In summary, the available evidence is currently insufficient to determine the role of this variant in disease. Therefore, it has been classified as a Variant of Uncertain Significance.

NM_000342.4(SLC4A1):c.365A>G (p.Asp122Gly)

Gene: SLC4A1 (solute carrier family 4 member 1 (Diego blood group); minus strand). Cytogenetic location: 17q21.31.
Variant type: single nucleotide variant.
Coding change: c.365A>G on transcript NM_000342.4 (MANE Select); coding-DNA position 365, A replaced by G.
Protein change: p.Asp122Gly; replaces aspartic acid 122 with glycine.
Molecular consequence: missense variant.
Genome position (GRCh38, 1-based): chr17:44,260,524, T>C on the plus strand (A>G on the coding strand, the complement: SLC4A1 is on the minus strand). VCF-style: chr17-44260524-T-C. GRCh37 (hg19) VCF-style: chr17-42337892-T-C.
Other names: short protein forms D122G.
Identifiers: ClinVar variation 3667417 (VCV003667417.2).
Genomic context (GRCh38, chr17:44,260,524, plus strand): 5'-TCAAAGATAAACCTGTCTAGCAGTTGGTTGGCCACTCCAGCCAGGGAGGTCTCTTGCAGG[T>C]CTAGGAGGACAGTACCTGCAGGCAGTGGAGGAGTGAGCTGGTAGGCTGGGCCACAGCACC-3'
Protein context (NP_000333.1, residues 112-132): RVFTKGTVLL[Asp122Gly]LQETSLAGVA